The following is an entry in ClinVar:

ClinVar aggregate classification (germline): Uncertain significance. Review status: reviewed by expert panel (3 of 4 stars). 12 submissions from 11 submitters: Uncertain significance (1). 11 of the submissions do not count toward it. Last evaluated 2025-08-01.

Conditions:
Central core myopathy (CMYO1A). Also called: CONGENITAL MYOPATHY 1A, AUTOSOMAL DOMINANT, WITH SUSCEPTIBILITY TO MALIGNANT HYPERTHERMIA; Central core disease; Myopathy, central fibrillar. Identifiers: Orphanet 597, MedGen C5830701, MONDO:0007294, OMIM 117000.
King Denborough syndrome (KDS). Identifiers: MedGen C1840365, MONDO:0020485, OMIM 619542.
Malignant hyperthermia, susceptibility to, 1 (MHS1). Also called: Anesthesia related hyperthermia; Malignant hyperpyrexia; Fulminating hyperpyrexia; Pharmacogenic myopathy; RYR1-Related Malignant Hyperthermia Susceptibility; Malignant hyperthermia suceptibility 1. Identifiers: Orphanet 423, MedGen C2930980, MONDO:0007783, OMIM 145600.
Congenital myopathy with fiber type disproportion. Also called: Congenital fiber-type disproportion myopathy; Congenital fiber-type disproportion. Identifiers: Orphanet 2020, MedGen C0546264, MONDO:0009711. Inheritance: all.
Congenital multicore myopathy with external ophthalmoplegia (CMYO1B). Also called: MULTIMINICORE DISEASE WITH EXTERNAL OPHTHALMOPLEGIA; Congenital myopathy 1B, autosomal recessive; Minicore myopathy; Minicore myopathy with external ophthalmoplegia; MULTICORE MYOPATHY. Identifiers: Orphanet 598, Orphanet 98905, MedGen C1850674, MONDO:0009712, OMIM 255320, HP:0003789.
RYR1-related disorder. Also called: RYR1-related disorders; RYR1-related condition. Identifiers: MedGen CN239331.
Malignant hyperthermia and exertional rhabdomyolosis. Identifiers: MedGen CN221545.

Allele frequency attached by ClinVar (database versions not stated): TOPMed 0.00012; 1000 Genomes Project 30x 0.00016; 1000 Genomes Project 0.00020; ESP Exome Variant Server 0.00023; gnomAD 0.00025.
gnomAD v4.1: 68 of 1,614,066 alleles (0.0042%); highest among the groups gnomAD compares: African/African-American, 0.053%; no homozygotes.

Submissions (12):

ClinGen Malignant Hyperthermia Susceptibility Variant Curation Expert Panel, ClinGen
Classification: Uncertain significance for Malignant hyperthermia, susceptibility to, 1. Last evaluated: 2025-08-01. Review status: reviewed by expert panel. Criteria: ClinGen MHS ACMG Specifications V2. Collection method: curation. Allele origin: germline. Inheritance: Autosomal dominant inheritance. Study: ClinGen.
Comment: This pathogenicity assessment is relevant only for malignant hyperthermia susceptibility (MHS) inherited in an autosomal dominant pattern. Variants in RYR1 can also cause other myopathies inherited in an autosomal dominant pattern or in an autosomal recessive pattern. Some of these disorders may predispose individuals to malignant hyperthermia. RYR1 variants may also contribute to a malignant hyperthermia reaction in combination with other genetic and non-genetic factors and the clinician needs to consider such factors in making management decisions. This sequence variant predicts a substitution of Glycine with Serine at codon 2160 of the RYR1 protein, p.(Gly2160Ser). The maximum allele frequency for this variant among the six major gnomAD populations is AFR: 0.0006, a frequency consistent with pathogenicity for MHS. This variant has been reported in an individual with a personal or family history of an MH episode and a positive in vitro contracture test (IVCT) or caffeine halothane contracture test (CHCT) result (if the proband was unavailable for testing, a positive diagnostic test result in a mutation-positive relative was counted), PS4_Supporting (PMID:30236257). However, the high MAF in the AFR population in gnomAD precludes the use of PS4. No functional studies were identified for this variant. This variant resides in a region of RYR1 considered to be a hotspot for pathogenic variants that contribute to MHS, PM1 (PMID: 21118704). A REVEL score of 0.635 supports neither a pathogenic nor a benign status for this variant. This variant has been classified as a Variant of Unknown Significance. Criteria implemented: PM1.

Labcorp Genetics (formerly Invitae), Labcorp
Classification: Likely benign for RYR1-related disorder. Last evaluated: 2025-12-17. Review status: criteria provided, single submitter. Criteria: Invitae Variant Classification Sherloc (09022015). Collection method: clinical testing. Allele origin: germline. Not counted in ClinVar's aggregate classification.

Color Diagnostics, LLC DBA Color Health
Classification: Uncertain significance for Malignant hyperthermia, susceptibility to, 1. Last evaluated: 2025-11-06. Review status: criteria provided, single submitter. Criteria: ACMG Guidelines, 2015. Collection method: clinical testing. Allele origin: germline. Not counted in ClinVar's aggregate classification.
Comment: This missense variant replaces glycine with serine at codon 2160 of the RYR1 protein. Computational prediction is inconclusive regarding the impact of this variant on protein structure and function. To our knowledge, functional studies have not been reported for this variant. This variant has been reported in at least one family affected with malignant hyperthermia susceptibility (PMID: 30236257). This variant has been identified in 24/281882 chromosomes in the general population by the Genome Aggregation Database (gnomAD). The available evidence is insufficient to determine the role of this variant in disease conclusively. Therefore, this variant is classified as a Variant of Uncertain Significance.

GeneDx
Classification: Uncertain significance. Last evaluated: 2025-07-14. Review status: criteria provided, single submitter. Criteria: GeneDx Variant Classification Process June 2021. Collection method: clinical testing. Allele origin: germline. Affected: yes. Not counted in ClinVar's aggregate classification.
Comment: Identified in a patient with malignant hyperthermia susceptibility, however the G2160S variant did not segregate with disease in the family as other affected family members were heterozygous for a different variant in the RYR1 gene (PMID: 28403410); In silico analysis supports that this missense variant has a deleterious effect on protein structure/function; This variant is associated with the following publications: (PMID: 26332594, 23476141, 25637381, 28403410, 19807743, 30236257, 12668474, 33767344)

Revvity Omics, Revvity
Classification: Uncertain significance. Last evaluated: 2025-01-22. Review status: criteria provided, single submitter. Criteria: ACMG Guidelines, 2015. Collection method: clinical testing. Allele origin: germline. Not counted in ClinVar's aggregate classification.

All of Us Research Program, National Institutes of Health
Classification: Uncertain significance for Malignant hyperthermia, susceptibility to, 1. Last evaluated: 2024-09-17. Review status: criteria provided, single submitter. Criteria: ACMG Guidelines, 2015. Collection method: clinical testing. Allele origin: germline. Inheritance: Autosomal dominant inheritance. Observed: 11 variant alleles, 11 heterozygotes. Not counted in ClinVar's aggregate classification.
Comment: This missense variant replaces glycine with serine at codon 2160 of the RYR1 protein. Computational prediction is inconclusive regarding the impact of this variant on protein structure and function (internally defined REVEL score threshold 0.5 < inconclusive < 0.7, PMID: 27666373). To our knowledge, functional studies have not been reported for this variant. This variant has been reported in at least one family affected with malignant hyperthermia susceptibility (PMID: 30236257). This variant has been identified in 24/281882 chromosomes in the general population by the Genome Aggregation Database (gnomAD). The available evidence is insufficient to determine the role of this variant in disease conclusively. Therefore, this variant is classified as a Variant of Uncertain Significance.

This study involves interpretation of variants in research participants for the purpose of population health screening. Participant phenotype was not available at the time of variant classification. Additional details can be found in publication PMID: 35346344, PMCID: PMC8962531

Blueprint Genetics
Classification: Uncertain significance. Last evaluated: 2023-12-05. Review status: criteria provided, single submitter. Criteria: ACMG Guidelines, 2015. Collection method: clinical testing. Allele origin: germline. Not counted in ClinVar's aggregate classification.

Fulgent Genetics
Classification: Uncertain significance for Central core myopathy; Malignant hyperthermia, susceptibility to, 1; Congenital myopathy 4A, autosomal dominant; Congenital multicore myopathy with external ophthalmoplegia; King Denborough syndrome. Last evaluated: 2022-04-04. Review status: criteria provided, single submitter. Criteria: ACMG Guidelines, 2015. Collection method: clinical testing. Allele origin: unknown. Not counted in ClinVar's aggregate classification.

Mayo Clinic Laboratories, Mayo Clinic
Classification: Uncertain significance. Last evaluated: 2021-05-13. Review status: criteria provided, single submitter. Criteria: ACMG Guidelines, 2015. Collection method: clinical testing. Allele origin: germline. Not counted in ClinVar's aggregate classification.

Illumina Laboratory Services, Illumina
Classification: Uncertain significance for Malignant hyperthermia, susceptibility to, 1. Last evaluated: 2017-04-28. Review status: criteria provided, single submitter. Criteria: ICSL Variant Classification Criteria 13 December 2019. Collection method: clinical testing. Allele origin: germline. Not counted in ClinVar's aggregate classification.
Comment: This variant was observed as part of a predisposition screen in an ostensibly healthy population. A literature search was performed for the gene, cDNA change, and amino acid change (where applicable). Publications were found based on this search. However, the evidence from the literature, in combination with allele frequency data from public databases where available, was not sufficient to rule this variant in or out of causing disease. Therefore, this variant is classified as a variant of unknown significance.

Illumina Laboratory Services, Illumina
Classification: Uncertain significance for Congenital multicore myopathy with external ophthalmoplegia. Last evaluated: 2017-04-28. Review status: criteria provided, single submitter. Criteria: ICSL Variant Classification Criteria 13 December 2019. Collection method: clinical testing. Allele origin: germline. Not counted in ClinVar's aggregate classification.
Comment: the same text as in the submission from Illumina Laboratory Services, Illumina above.

CSER _CC_NCGL, University of Washington
Classification: Uncertain significance for Malignant hyperthermia & exertional rhabdomyolosis. Last evaluated: 2014-06-01. Review status: no assertion criteria provided. Collection method: research. Allele origin: germline. Inheritance: Autosomal dominant inheritance. Study: ESP 6500 variant annotation. Not counted in ClinVar's aggregate classification.
Comment: Variants classified for the Actionable exomic incidental findings in 6503 participants: challenges of variant classification manuscript

Literature cited by the submitters: PubMed 30236257 (cited by Color Diagnostics, LLC DBA Color Health and All of Us Research Program, National Institutes of Health); PubMed 23476141 (cited by Illumina Laboratory Services, Illumina); PubMed 26332594 (cited by Illumina Laboratory Services, Illumina); PubMed 25637381 (cited by Illumina Laboratory Services, Illumina); PubMed 19807743 (cited by Illumina Laboratory Services, Illumina).

NM_000540.3(RYR1):c.6478G>A (p.Gly2160Ser)

Gene: RYR1 (ryanodine receptor 1; plus strand). Cytogenetic location: 19q13.2.
Variant type: single nucleotide variant.
Coding change: c.6478G>A on transcript NM_000540.3 (MANE Select); coding-DNA position 6478, G replaced by A.
Protein change: p.Gly2160Ser; replaces glycine 2160 with serine.
Molecular consequence: missense variant.
Genome position (GRCh38, 1-based): chr19:38,494,555, G>A. VCF-style: chr19-38494555-G-A. GRCh37 (hg19) VCF-style: chr19-38985195-G-A.
Other names: NM_000540.2(RYR1):c.6478G>A; p.Gly2160Ser; c.6478G>A, p.Gly2160Ser (NM_001042723.2); short protein forms G2160S.
Identifiers: ClinVar variation 161374 (VCV000161374.29), dbSNP rs143398211, ClinGen allele CA024586.